The following is an entry in ClinVar:

ClinVar aggregate classification (germline): Uncertain significance (1 of 4 stars; one submission).

Submission:

Labcorp Genetics (formerly Invitae), Labcorp
Classification: Uncertain significance. Last evaluated: 2025-09-07. Review status: criteria provided, single submitter. Criteria: Invitae Variant Classification Sherloc (09022015). Collection method: clinical testing. Allele origin: germline.
Comment: This sequence change replaces alanine, which is neutral and non-polar, with serine, which is neutral and polar, at codon 218 of the KLHDC8B protein (p.Ala218Ser). This variant is present in population databases (rs759437893, gnomAD 0.002%). This variant has not been reported in the literature in individuals affected with KLHDC8B-related conditions. ClinVar contains an entry for this variant (Variation ID: 3610308). An algorithm developed to predict the effect of missense changes on protein structure and function (PolyPhen-2) suggests that this variant is likely to be disruptive. In summary, the available evidence is currently insufficient to determine the role of this variant in disease. Therefore, it has been classified as a Variant of Uncertain Significance.

NM_173546.3(KLHDC8B):c.652G>T (p.Ala218Ser)

Gene: KLHDC8B (kelch domain containing 8B; plus strand). Cytogenetic location: 3p21.31.
Variant type: single nucleotide variant.
Coding change: c.652G>T on transcript NM_173546.3 (MANE Select); coding-DNA position 652, G replaced by T.
Protein change: p.Ala218Ser; replaces alanine 218 with serine.
Molecular consequence: missense variant.
Genome position (GRCh38, 1-based): chr3:49,174,852, G>T. VCF-style: chr3-49174852-G-T. GRCh37 (hg19) VCF-style: chr3-49212285-G-T.
Other names: short protein forms A218S.
Identifiers: ClinVar variation 3610308 (VCV003610308.2).
Genomic context (GRCh38, chr3:49,174,852, plus strand): 5'-GAGGCCCGTACATGGACCCGGCATCCAAGCCTACCCAGCCGTCGGGCCTTTGCTGGCTGC[G>T]CCATGGCTGAAGGCAGCGTCTTTAGCCTGGGTGGCCTGCAGCAGCCTGGGCCCCACAACT-3'
Protein context (NP_775817.1, residues 208-228): LPSRRAFAGC[Ala218Ser]MAEGSVFSLG